The following is an entry in ClinVar:

ClinVar aggregate classification (germline): Pathogenic (1 of 4 stars; one submission).

Submission:

Labcorp Genetics (formerly Invitae), Labcorp
Classification: Pathogenic. Last evaluated: 2023-02-01. Review status: criteria provided, single submitter. Criteria: Invitae Variant Classification Sherloc (09022015). Collection method: clinical testing. Allele origin: germline.
Comment: For these reasons, this variant has been classified as Pathogenic. This variant has not been reported in the literature in individuals affected with LAMA3-related conditions. This variant is not present in population databases (gnomAD no frequency). This sequence change creates a premature translational stop signal (p.His83Argfs*8) in the LAMA3 gene. It is expected to result in an absent or disrupted protein product. Loss-of-function variants in LAMA3 are known to be pathogenic (PMID: 10366601, 11810295, 12915477, 16473856, 17362460, 22434185, 23869449, 27827380, 28087116).

Literature cited by the submitters: PubMed 10366601; PubMed 11810295; PubMed 12915477; PubMed 16473856; PubMed 17362460; PubMed 22434185; PubMed 23869449; PubMed 27827380; PubMed 28087116.

NM_198129.4(LAMA3):c.5075_5091del (p.His1692fs)

Gene: LAMA3 (laminin subunit alpha 3; plus strand). Cytogenetic location: 18q11.2.
Variant type: Deletion.
Coding change: c.5075_5091del on transcript NM_198129.4 (MANE Select); coding-DNA positions 5075 to 5091, 17 bases deleted (ATTCAAATCAATGCCAG).
Protein change: p.His1692fs; shifts the reading frame from histidine 1692.
Molecular consequence: frameshift variant.
Genome position (GRCh38, 1-based): chr18:23,876,370-23,876,386, ATTCAAATCAATGCCAG deleted. VCF-style (leftmost placement, unchanged base first): chr18-23876369-CATTCAAATCAATGCCAG-C. GRCh37 (hg19) VCF-style: chr18-21456333-CATTCAAATCAATGCCAG-C.
Other names: c.248_264del, p.His83fs (NM_000227.6, NM_001127718.4); c.5075_5091del, p.His1692fs (NM_001127717.4); short protein forms H83fs, H1692fs.
Identifiers: ClinVar variation 2833414 (VCV002833414.3), dbSNP rs2511243031, ClinGen allele CA2739268583.